The following is an entry in ClinVar:

NM_000228.3(LAMB3):c.2298G>A (p.Lys766=)

Gene: LAMB3 (laminin subunit beta 3; minus strand). Cytogenetic location: 1q32.2.
Variant type: single nucleotide variant.
Coding change: c.2298G>A on transcript NM_000228.3 (MANE Select); coding-DNA position 2298, G replaced by A.
Protein change: p.Lys766=; no amino-acid change (lysine 766 retained).
Molecular consequence: synonymous variant.
Genome position (GRCh38, 1-based): chr1:209,623,565, C>T on the plus strand (G>A on the coding strand, the complement: LAMB3 is on the minus strand). VCF-style: chr1-209623565-C-T. GRCh37 (hg19) VCF-style: chr1-209796910-C-T.
Other names: c.2298G>A, p.Lys766= (NM_001017402.2, NM_001127641.1).
Identifiers: ClinVar variation 756917 (VCV000756917.16), dbSNP rs113745536, ClinGen allele CA1375287.

ClinVar aggregate classification (germline): Conflicting classifications of pathogenicity. Review status: criteria provided, conflicting classifications (1 of 4 stars). 4 submissions from 4 submitters: Uncertain significance (1); Likely benign (2). 1 of the submissions does not count toward it. Last evaluated 2026-01-16.

Conditions:
LAMB3-related disorder. Also called: LAMB3-related condition.
Junctional epidermolysis bullosa. Identifiers: Orphanet 305, MedGen C0079301, MONDO:0017612.

Allele frequency attached by ClinVar (database versions not stated): 1000 Genomes Project 0.00020; 1000 Genomes Project 30x 0.00031; ESP Exome Variant Server 0.00038; TOPMed 0.00041; ExAC 0.00043; gnomAD exomes 0.00044 and 0.00106; gnomAD 0.00046 and 0.00048.
gnomAD v4.1: 1,578 of 1,614,228 alleles (0.098%); highest among the groups gnomAD compares: Non-Finnish European, 0.13%; 2 homozygotes.

Submissions (4):

Labcorp Genetics (formerly Invitae), Labcorp
Classification: Likely benign. Last evaluated: 2026-01-16. Review status: criteria provided, single submitter. Criteria: Invitae Variant Classification Sherloc (09022015). Collection method: clinical testing. Allele origin: germline.

Blueprint Genetics
Classification: Likely benign. Last evaluated: 2024-11-04. Review status: criteria provided, single submitter. Criteria: ACMG Guidelines, 2015. Collection method: clinical testing. Allele origin: germline.

Illumina Laboratory Services, Illumina
Classification: Uncertain significance for Junctional epidermolysis bullosa. Last evaluated: 2018-01-13. Review status: criteria provided, single submitter. Criteria: ICSL Variant Classification Criteria 13 December 2019. Collection method: clinical testing. Allele origin: germline.

PreventionGenetics, part of Exact Sciences
Classification: Likely benign for LAMB3-related condition. Last evaluated: 2024-08-27. Review status: no assertion criteria provided. Collection method: clinical testing. Allele origin: germline. Not counted in ClinVar's aggregate classification.
Comment: This variant is classified as likely benign based on ACMG/AMP sequence variant interpretation guidelines (Richards et al. 2015 PMID: 25741868, with internal and published modifications).